The following is an entry in ClinVar:

NM_005188.4(CBL):c.2396C>T (p.Ser799Phe)

Gene: CBL (Cbl proto-oncogene; plus strand). Cytogenetic location: 11q23.3.
Variant type: single nucleotide variant.
Coding change: c.2396C>T on transcript NM_005188.4 (MANE Select); coding-DNA position 2396, C replaced by T.
Protein change: p.Ser799Phe; replaces serine 799 with phenylalanine.
Molecular consequence: missense variant.
Genome position (GRCh38, 1-based): chr11:119,298,502, C>T. VCF-style: chr11-119298502-C-T. GRCh37 (hg19) VCF-style: chr11-119169212-C-T.
Other names: c.2396C>T (NM_005188.2); short protein forms S799F.
Identifiers: ClinVar variation 2132498 (VCV002132498.5), dbSNP rs1433717520, ClinGen allele CA382930094.
Genomic context (GRCh38, chr11:119,298,502, plus strand): 5'-CACCTGTGCCGGCCGTGCTGGCCCGCCGAACTCTCTCAGATATCTCTAATGCCAGCTCCT[C>T]CTTTGGCTGGTTGTCTCTGGATGGTGATCCTACAACAAGTGAGTCTCCAGACTACTTTGG-3'
Protein context (NP_005179.2, residues 789-809): TLSDISNASS[Ser799Phe]FGWLSLDGDP

ClinVar aggregate classification (germline): Uncertain significance. Review status: criteria provided, multiple submitters, no conflicts (2 of 4 stars). 2 submissions from 2 submitters: Uncertain significance (2). Last evaluated 2026-05-23.

Conditions:
RASopathy. Also called: rasopathies; Noonan spectrum disorder. Identifiers: Orphanet 536391, MedGen C5555857, MONDO:0021060.
Cardiovascular phenotype. Identifiers: MedGen CN230736.

Allele frequency attached by ClinVar (database versions not stated): TOPMed below 0.00001.
gnomAD v4.1: 1 of 1,614,184 alleles (0.000062%); highest among the groups gnomAD compares: African/African-American, 0.0013%; no homozygotes.

Submissions (2):

Ambry Genetics
Classification: Uncertain significance for Cardiovascular phenotype. Last evaluated: 2026-05-23. Review status: criteria provided, single submitter. Criteria: Ambry Variant Classification Scheme 2023. Collection method: clinical testing. Allele origin: germline.
Comment: The p.S799F variant (also known as c.2396C>T), located in coding exon 15 of the CBL gene, results from a C to T substitution at nucleotide position 2396. The serine at codon 799 is replaced by phenylalanine, an amino acid with highly dissimilar properties. This amino acid position is conserved. In addition, the in silico prediction for this alteration is inconclusive. Based on the available evidence, the clinical significance of this variant remains unclear.

Labcorp Genetics (formerly Invitae), Labcorp
Classification: Uncertain significance for RASopathy. Last evaluated: 2022-05-01. Review status: criteria provided, single submitter. Criteria: Invitae Variant Classification Sherloc (09022015). Collection method: clinical testing. Allele origin: germline.
Comment: In summary, the available evidence is currently insufficient to determine the role of this variant in disease. Therefore, it has been classified as a Variant of Uncertain Significance. Advanced modeling of protein sequence and biophysical properties (such as structural, functional, and spatial information, amino acid conservation, physicochemical variation, residue mobility, and thermodynamic stability) performed at Invitae indicates that this missense variant is not expected to disrupt CBL protein function. This variant has not been reported in the literature in individuals affected with CBL-related conditions. This variant is present in population databases (no rsID available, gnomAD 0.007%). This sequence change replaces serine, which is neutral and polar, with phenylalanine, which is neutral and non-polar, at codon 799 of the CBL protein (p.Ser799Phe).